The following is an entry in ClinVar:

ClinVar aggregate classification (germline): Uncertain significance (1 of 4 stars; one submission).

Conditions:
Inborn genetic diseases. Identifiers: MedGen C0950123, MeSH D030342.

gnomAD v4.1: 1 of 1,613,776 alleles (0.000062%); highest among the groups gnomAD compares: Admixed American, 0.0017%; no homozygotes.

Submission:

Ambry Genetics
Classification: Uncertain significance for Inborn genetic diseases. Last evaluated: 2024-05-10. Review status: criteria provided, single submitter. Criteria: Ambry Variant Classification Scheme 2023. Collection method: clinical testing. Allele origin: germline.
Comment: The p.I285V variant (also known as c.853A>G), located in coding exon 8 of the LRRK2 gene, results from an A to G substitution at nucleotide position 853. The isoleucine at codon 285 is replaced by valine, an amino acid with highly similar properties. This amino acid position is conserved. In addition, this alteration is predicted to be tolerated by in silico analysis. Based on the available evidence, the clinical significance of this variant remains unclear.

NM_198578.4(LRRK2):c.853A>G (p.Ile285Val)

Gene: LRRK2 (leucine rich repeat kinase 2; plus strand). Cytogenetic location: 12q12.
Variant type: single nucleotide variant.
Coding change: c.853A>G on transcript NM_198578.4 (MANE Select); coding-DNA position 853, A replaced by G.
Protein change: p.Ile285Val; replaces isoleucine 285 with valine.
Molecular consequence: missense variant.
Genome position (GRCh38, 1-based): chr12:40,249,840, A>G. VCF-style: chr12-40249840-A-G. GRCh37 (hg19) VCF-style: chr12-40643642-A-G.
Other names: short protein forms I285V.
Identifiers: ClinVar variation 3292005 (VCV003292005.1).